The following is an entry in ClinVar:

ClinVar aggregate classification (germline): Uncertain significance (1 of 4 stars; one submission).

Conditions:
Combined immunodeficiency due to DOCK8 deficiency (HIES2). Also called: HIES autosomal recessive; DOCK8 Deficiency; Hyper-IgE recurrent infection syndrome, autosomal recessive; HYPER-IgE SYNDROME 2, AUTOSOMAL RECESSIVE, WITH RECURRENT INFECTIONS; HYPER-IgE RECURRENT INFECTION SYNDROME 2, AUTOSOMAL RECESSIVE. Identifiers: Orphanet 217390, MedGen C4722305, MONDO:0009478, OMIM 243700.

Submission:

Labcorp Genetics (formerly Invitae), Labcorp
Classification: Uncertain significance for Combined immunodeficiency due to DOCK8 deficiency. Last evaluated: 2022-01-06. Review status: criteria provided, single submitter. Criteria: Invitae Variant Classification Sherloc (09022015). Collection method: clinical testing. Allele origin: germline.
Comment: In summary, the available evidence is currently insufficient to determine the role of this variant in disease. Therefore, it has been classified as a Variant of Uncertain Significance. Algorithms developed to predict the effect of missense changes on protein structure and function are either unavailable or do not agree on the potential impact of this missense change (SIFT: "Deleterious"; PolyPhen-2: "Probably Damaging"; Align-GVGD: "Class C0"). This variant has not been reported in the literature in individuals affected with DOCK8-related conditions. This variant is not present in population databases (gnomAD no frequency). This sequence change replaces serine, which is neutral and polar, with phenylalanine, which is neutral and non-polar, at codon 1013 of the DOCK8 protein (p.Ser1013Phe).

NM_203447.4(DOCK8):c.3038C>T (p.Ser1013Phe)

Gene: DOCK8 (dedicator of cytokinesis 8; plus strand). Cytogenetic location: 9p24.3.
Variant type: single nucleotide variant.
Coding change: c.3038C>T on transcript NM_203447.4 (MANE Select); coding-DNA position 3038, C replaced by T.
Protein change: p.Ser1013Phe; replaces serine 1013 with phenylalanine.
Molecular consequence: missense variant.
Genome position (GRCh38, 1-based): chr9:396,852, C>T. VCF-style: chr9-396852-C-T. GRCh37 (hg19) VCF-style: chr9-396852-C-T.
Other names: c.2738C>T, p.Ser913Phe (NM_001190458.2); c.2834C>T, p.Ser945Phe (NM_001193536.2); short protein forms S1013F, S913F, S945F.
Identifiers: ClinVar variation 1486384 (VCV001486384.8), dbSNP rs573522346, ClinGen allele CA372752978.